The following is an entry in ClinVar:

NM_000211.5(ITGB2):c.59-15G>A

Gene: ITGB2 (integrin subunit beta 2; minus strand). Cytogenetic location: 21q22.3.
Variant type: single nucleotide variant.
Coding change: c.59-15G>A on transcript NM_000211.5 (MANE Select); 15 bases into the intron before coding-DNA position 59, G replaced by A.
Molecular consequence: intron variant. On other transcripts: 5 prime UTR variant (1).
Genome position (GRCh38, 1-based): chr21:44,910,387, C>T on the plus strand (G>A on the coding strand, the complement: ITGB2 is on the minus strand). VCF-style: chr21-44910387-C-T. GRCh37 (hg19) VCF-style: chr21-46330302-C-T.
Other names: c.59-15G>A (LRG_76t1, NM_001127491.3); c.-164G>A (NM_001303238.2).
Identifiers: ClinVar variation 340181 (VCV000340181.15), dbSNP rs74539155, ClinGen allele CA10063416.

ClinVar aggregate classification (germline): Benign/Likely benign. Review status: criteria provided, multiple submitters, no conflicts (2 of 4 stars). 4 submissions from 4 submitters: Benign (2); Likely benign (2). Last evaluated 2026-01-26.

Conditions:
Leukocyte adhesion deficiency 1 (LAD1). Also called: LEUKOCYTE ADHESION DEFICIENCY, TYPE I; LAD 1; Lymphocyte function-associated antigen 1 immunodeficiency; LFA 1 immunodeficiency. Identifiers: Orphanet 2968, Orphanet 99842, MedGen C0398738, MONDO:0007293, OMIM 116920.

Allele frequency attached by ClinVar (database versions not stated): gnomAD exomes 0.00130 and 0.00348; ExAC 0.00442; gnomAD 0.01320 and 0.01426; 1000 Genomes Project 0.01438; TOPMed 0.01452; 1000 Genomes Project 30x 0.01624; ESP Exome Variant Server 0.01630.
gnomAD v4.1: 3,979 of 1,614,020 alleles (0.25%); highest among the groups gnomAD compares: African/African-American, 4.6%; 97 homozygotes.

Submissions (4):

Labcorp Genetics (formerly Invitae), Labcorp
Classification: Benign for Leukocyte adhesion deficiency 1. Last evaluated: 2026-01-26. Review status: criteria provided, single submitter. Criteria: Invitae Variant Classification Sherloc (09022015). Collection method: clinical testing. Allele origin: germline.

Women's Health and Genetics/Laboratory Corporation of America, LabCorp
Classification: Likely benign. Last evaluated: 2026-01-22. Review status: criteria provided, single submitter. Criteria: LabCorp Variant Classification Summary - May 2015. Collection method: clinical testing. Allele origin: germline.

Blueprint Genetics
Classification: Likely benign. Last evaluated: 2024-11-13. Review status: criteria provided, single submitter. Criteria: ACMG Guidelines, 2015. Collection method: clinical testing. Allele origin: germline.

Illumina Laboratory Services, Illumina
Classification: Benign for Leukocyte adhesion deficiency 1. Last evaluated: 2018-01-13. Review status: criteria provided, single submitter. Criteria: ICSL Variant Classification Criteria 13 December 2019. Collection method: clinical testing. Allele origin: germline.
Comment: This variant was observed in the ICSL laboratory as part of a predisposition screen in an ostensibly healthy population. It had not been previously curated by ICSL or reported in the Human Gene Mutation Database (HGMD: prior to June 1st, 2018), and was therefore a candidate for classification through an automated scoring system. Utilizing variant allele frequency, disease prevalence and penetrance estimates, and inheritance mode, an automated score was calculated to assess if this variant is too frequent to cause the disease. Based on the score and internal cut-off values, a variant classified as benign is not then subjected to further curation. The score for this variant resulted in a classification of benign for this disease.